The following is an entry in ClinVar:

NM_000937.5(POLR2A):c.1461-1G>C

Gene: POLR2A (RNA polymerase II subunit A; plus strand). Cytogenetic location: 17p13.1.
Variant type: single nucleotide variant.
Coding change: c.1461-1G>C on transcript NM_000937.5 (MANE Select); the canonical splice acceptor site of the intron before coding-DNA position 1461, G replaced by C.
Molecular consequence: splice acceptor variant.
Genome position (GRCh38, 1-based): chr17:7,499,280, G>C. VCF-style: chr17-7499280-G-C. GRCh37 (hg19) VCF-style: chr17-7402599-G-C.
Identifiers: ClinVar variation 2571906 (VCV002571906.1), dbSNP rs2508122194, ClinGen allele CA397875359.
Genomic context (GRCh38, chr17:7,499,280, plus strand): 5'-TGGCTCCTCAAGGTTTCGCTGCAGACATCTTCCCAACCCTGACTTTTCTCTTTAACTGTA[G>C]TGTGACAACTCCGTACAATGCAGACTTTGACGGGGATGAGATGAACTTGCACCTGCCACA-3'

ClinVar aggregate classification (germline): Uncertain significance (1 of 4 stars; one submission).

Submission:

GeneDx
Classification: Uncertain significance. Last evaluated: 2023-01-06. Review status: criteria provided, single submitter. Criteria: GeneDx Variant Classification Process June 2021. Collection method: clinical testing. Allele origin: germline. Affected: yes.
Comment: Canonical splice site variant in a gene or region of a gene for which loss of function is not a well-established mechanism of disease; Not observed at significant frequency in large population cohorts (gnomAD); Has not been previously published as pathogenic or benign to our knowledge